The following is an entry in ClinVar:

NM_001142503.3(STARD8):c.429C>T (p.Thr143=)

Gene: STARD8 (StAR related lipid transfer domain containing 8; plus strand). Cytogenetic location: Xq13.1.
Variant type: single nucleotide variant.
Coding change: c.429C>T on transcript NM_001142503.3 (MANE Select); coding-DNA position 429, C replaced by T.
Protein change: p.Thr143=; no amino-acid change (threonine 143 retained).
Molecular consequence: synonymous variant.
Genome position (GRCh38, 1-based): chrX:68,717,343, C>T. VCF-style: chrX-68717343-C-T. GRCh37 (hg19) VCF-style: chrX-67937185-C-T.
Other names: c.189C>T, p.Thr63= (NM_001142504.3, NM_014725.5).
Identifiers: ClinVar variation 2660783 (VCV002660783.24), dbSNP rs137983170, ClinGen allele CA10437479.

ClinVar aggregate classification (germline): Likely benign (1 of 4 stars; one submission).

Allele frequency attached by ClinVar (database versions not stated): gnomAD exomes 0.00012; ExAC 0.00036; gnomAD 0.00046; TOPMed 0.00053; ESP Exome Variant Server 0.00085; 1000 Genomes Project 0.00106; 1000 Genomes Project 30x 0.00146.
gnomAD v4.1: 183 of 1,205,915 alleles (0.015%); highest among the groups gnomAD compares: African/African-American, 0.1%; no homozygotes.

Submission:

CeGaT Center for Human Genetics Tuebingen
Classification: Likely benign. Last evaluated: 2022-12-01. Review status: criteria provided, single submitter. Criteria: CeGaT Center For Human Genetics Tuebingen Variant Classification Criteria Version 2. Collection method: clinical testing. Allele origin: germline. Affected: yes. Observed: 2 variant alleles.
Comment: STARD8: BP4, BP7, BS2